The following is an entry in ClinVar:

NM_001429.4(EP300):c.495G>T (p.Met165Ile)

Gene: EP300 (EP300 lysine acetyltransferase; plus strand). Cytogenetic location: 22q13.2.
Variant type: single nucleotide variant.
Coding change: c.495G>T on transcript NM_001429.4 (MANE Select); coding-DNA position 495, G replaced by T.
Protein change: p.Met165Ile; replaces methionine 165 with isoleucine.
Molecular consequence: missense variant.
Genome position (GRCh38, 1-based): chr22:41,117,587, G>T. VCF-style: chr22-41117587-G-T. GRCh37 (hg19) VCF-style: chr22-41513591-G-T.
Other names: c.495G>T, p.Met165Ile (NM_001362843.2); short protein forms M165I.
Identifiers: ClinVar variation 432523 (VCV000432523.4), dbSNP rs1343346566, ClinGen allele CA411680919.

ClinVar aggregate classification (germline): Conflicting classifications of pathogenicity. Review status: criteria provided, conflicting classifications (1 of 4 stars). 3 submissions from 3 submitters: Uncertain significance (2); Likely benign (1). Last evaluated 2026-01-05.

Conditions:
EP300-related disorder. Also called: EP300-related disorders; EP300-related condition.
Rubinstein-Taybi syndrome due to EP300 haploinsufficiency. Also called: EP300-Related Rubinstein-Taybi Syndrome; RUBINSTEIN-TAYBI SYNDROME 2. Identifiers: Orphanet 353284, Orphanet 783, MedGen C3150941, MONDO:0013364, OMIM 613684.

Allele frequency attached by ClinVar (database versions not stated): gnomAD exomes below 0.00001 and 0.00001; gnomAD 0.00001; TOPMed 0.00001.

Submissions (3):

Labcorp Genetics (formerly Invitae), Labcorp
Classification: Likely benign for Rubinstein-Taybi syndrome due to EP300 haploinsufficiency. Last evaluated: 2026-01-05. Review status: criteria provided, single submitter. Criteria: Invitae Variant Classification Sherloc (09022015). Collection method: clinical testing. Allele origin: germline.

PreventionGenetics, part of Exact Sciences
Classification: Uncertain significance for EP300-related condition. Last evaluated: 2025-12-09. Review status: criteria provided, single submitter. Criteria: ACMG Guidelines, 2015. Collection method: clinical testing. Allele origin: germline.
Comment: The EP300 c.495G>T variant is predicted to result in the amino acid substitution p.Met165Ile. To our knowledge, this variant has not been reported in the literature. This variant is reported in 0.00088% of alleles in individuals of European (Non-Finnish) descent in gnomAD. Although we suspect that this variant may be benign, at this time, the clinical significance of this variant is uncertain due to the absence of conclusive functional and genetic evidence.

GeneDx
Classification: Uncertain significance. Last evaluated: 2017-06-07. Review status: criteria provided, single submitter. Criteria: GeneDx Variant Classification (06012015). Collection method: clinical testing. Allele origin: germline. Affected: yes.
Comment: The M165I variant in the EP300 gene has not been reported previously as a pathogenic variant, nor as a benign variant, to our knowledge. The M165I variant is not observed in large population cohorts (Lek et al., 2016; 1000 Genomes Consortium et al., 2015; Exome Variant Server). The M165I variant is a conservative amino acid substitution, which is conserved in mammals. In silico analysis is inconsistent in its predictions as to whether or not the variant is damaging to the protein structure/function. We interpret M165I as a variant of uncertain significance,